The following is an entry in ClinVar:

NM_004304.5(ALK):c.1589A>G (p.Glu530Gly)

Gene: ALK (ALK receptor tyrosine kinase; minus strand). Cytogenetic location: 2p23.2.
Variant type: single nucleotide variant.
Coding change: c.1589A>G on transcript NM_004304.5 (MANE Select); coding-DNA position 1589, A replaced by G.
Protein change: p.Glu530Gly; replaces glutamic acid 530 with glycine.
Molecular consequence: missense variant.
Genome position (GRCh38, 1-based): chr2:29,318,362, T>C on the plus strand (A>G on the coding strand, the complement: ALK is on the minus strand). VCF-style: chr2-29318362-T-C. GRCh37 (hg19) VCF-style: chr2-29541228-T-C.
Other names: short protein forms E530G.
Identifiers: ClinVar variation 1007209 (VCV001007209.8), dbSNP rs1666895159, ClinGen allele CA346471178.
Genomic context (GRCh38, chr2:29,318,362, plus strand): 5'-GCCTCACATGGAGAGCTCTTGATCGGTGCAGGAAACGTAGCACTGGTCACTGTAGCACTT[T>C]CAGAAGCGGGGACATCAGTGGTACTGAGCAATAGAGCATGGTCTAGGAGAGAGGAAAAGA-3'
Protein context (NP_004295.2, residues 520-540): LLSTTDVPAS[Glu530Gly]SATVTSATFP

ClinVar aggregate classification (germline): Uncertain significance (1 of 4 stars; one submission).

Conditions:
Neuroblastoma, susceptibility to, 3. Also called: ALK-Related Neuroblastic Tumor Susceptibility. Identifiers: Orphanet 635, MedGen C2751681, MONDO:0013083, OMIM 613014.

Submission:

Labcorp Genetics (formerly Invitae), Labcorp
Classification: Uncertain significance for Neuroblastoma, susceptibility to, 3. Last evaluated: 2024-04-01. Review status: criteria provided, single submitter. Criteria: Invitae Variant Classification Sherloc (09022015). Collection method: clinical testing. Allele origin: germline.
Comment: This sequence change replaces glutamic acid, which is acidic and polar, with glycine, which is neutral and non-polar, at codon 530 of the ALK protein (p.Glu530Gly). This variant is not present in population databases (gnomAD no frequency). This variant has not been reported in the literature in individuals affected with ALK-related conditions. ClinVar contains an entry for this variant (Variation ID: 1007209). An algorithm developed to predict the effect of missense changes on protein structure and function (PolyPhen-2) suggests that this variant is likely to be tolerated. In summary, the available evidence is currently insufficient to determine the role of this variant in disease. Therefore, it has been classified as a Variant of Uncertain Significance.